The following is an entry in ClinVar:

ClinVar aggregate classification (germline): Uncertain significance (1 of 4 stars; one submission).

gnomAD v4.1: 1 of 1,613,388 alleles (0.000062%); highest among the groups gnomAD compares: Non-Finnish European, 0.000085%; no homozygotes.

Submission:

GeneDx
Classification: Uncertain significance. Last evaluated: 2024-03-09. Review status: criteria provided, single submitter. Criteria: GeneDx Variant Classification Process June 2021. Collection method: clinical testing. Allele origin: germline. Affected: yes.
Comment: Not observed at significant frequency in large population cohorts (gnomAD); In silico analysis supports that this missense variant has a deleterious effect on protein structure/function; Has not been previously published as pathogenic or benign to our knowledge

NM_003587.5(DHX16):c.2614T>A (p.Phe872Ile)

Gene: DHX16 (DEAH-box helicase 16; minus strand). Cytogenetic location: 6p21.33.
Variant type: single nucleotide variant.
Coding change: c.2614T>A on transcript NM_003587.5 (MANE Select); coding-DNA position 2614, T replaced by A.
Protein change: p.Phe872Ile; replaces phenylalanine 872 with isoleucine.
Molecular consequence: missense variant.
Genome position (GRCh38, 1-based): chr6:30,655,482, A>T on the plus strand (T>A on the coding strand, the complement: DHX16 is on the minus strand). VCF-style: chr6-30655482-A-T. GRCh37 (hg19) VCF-style: chr6-30623259-A-T.
Other names: c.2434T>A, p.Phe812Ile (NM_001164239.2); c.1171T>A, p.Phe391Ile (NM_001363515.2); short protein forms F391I, F812I, F872I.
Identifiers: ClinVar variation 3370837 (VCV003370837.1).